The following is an entry in ClinVar:

ClinVar aggregate classification (germline): Likely benign. Review status: criteria provided, multiple submitters, no conflicts (2 of 4 stars). 2 submissions from 2 submitters: Likely benign (2). Last evaluated 2026-05-27.

Conditions:
Inborn genetic diseases. Identifiers: MedGen C0950123, MeSH D030342.

gnomAD v4.1: 1 of 1,609,250 alleles (0.000062%); highest among the groups gnomAD compares: Non-Finnish European, 0.000085%; no homozygotes.

Submissions (2):

Ambry Genetics
Classification: Likely benign for Inborn genetic diseases. Last evaluated: 2026-05-27. Review status: criteria provided, single submitter. Criteria: Ambry Variant Classification Scheme 2023. Collection method: clinical testing. Allele origin: germline.

Mayo Clinic Laboratories, Mayo Clinic
Classification: Likely benign. Last evaluated: 2025-09-30. Review status: criteria provided, single submitter. Criteria: ACMG Guidelines, 2015. Collection method: clinical testing. Allele origin: germline. Observed: 1 variant allele.
Comment: BP4, BP7, PM2_supporting

NM_014915.3(ANKRD26):c.4959G>A (p.Gln1653=)

Gene: ANKRD26 (ankyrin repeat domain 26; minus strand). Cytogenetic location: 10p12.1.
Variant type: single nucleotide variant.
Coding change: c.4959G>A on transcript NM_014915.3 (MANE Select); coding-DNA position 4959, G replaced by A.
Protein change: p.Gln1653=; no amino-acid change (glutamine 1653 retained).
Molecular consequence: synonymous variant.
Genome position (GRCh38, 1-based): chr10:27,006,957, C>T on the plus strand (G>A on the coding strand, the complement: ANKRD26 is on the minus strand). VCF-style: chr10-27006957-C-T. GRCh37 (hg19) VCF-style: chr10-27295886-C-T.
Other names: p.Gln1653=; c.4956G>A, p.Gln1652= (NM_001256053.2).
Identifiers: ClinVar variation 4683492 (VCV004683492.2).